The following is an entry in ClinVar:

ClinVar aggregate classification (germline): Conflicting classifications of pathogenicity. Review status: criteria provided, conflicting classifications (1 of 4 stars). 5 submissions from 5 submitters: Uncertain significance (3); Likely benign (2). Last evaluated 2025-03-04.

Conditions:
Hereditary cancer-predisposing syndrome. Also called: Neoplastic Syndromes, Hereditary; Tumor predisposition; Hereditary neoplastic syndrome; Hereditary Cancer Syndrome. Identifiers: Orphanet 140162, MedGen C0027672, MeSH D009386, MONDO:0015356.
Familial adenomatous polyposis 1 (FAP1). Also called: FAMILIAL ADENOMATOUS POLYPOSIS 1, ATTENUATED; POLYPOSIS, ADENOMATOUS INTESTINAL. Identifiers: MedGen C2713442, MONDO:0021056, OMIM 175100. Disease mechanism: loss of function.

Allele frequency attached by ClinVar (database versions not stated): TOPMed below 0.00001; gnomAD exomes 0.00002; ExAC 0.00003.
gnomAD v4.1: 11 of 1,611,430 alleles (0.00068%); highest among the groups gnomAD compares: Non-Finnish European, 0.00093%; no homozygotes.

Submissions (5):

Center for Genomic Medicine, Rigshospitalet, Copenhagen University Hospital
Classification: Likely benign. Last evaluated: 2025-03-04. Review status: criteria provided, single submitter. Criteria: ACMG Guidelines, 2015. Collection method: clinical testing. Allele origin: germline.

Labcorp Genetics (formerly Invitae), Labcorp
Classification: Uncertain significance for Familial adenomatous polyposis 1. Last evaluated: 2024-10-10. Review status: criteria provided, single submitter. Criteria: Invitae Variant Classification Sherloc (09022015). Collection method: clinical testing. Allele origin: germline.
Comment: This sequence change replaces lysine, which is basic and polar, with arginine, which is basic and polar, at codon 2180 of the APC protein (p.Lys2180Arg). This variant is present in population databases (rs762955111, gnomAD 0.005%). This variant has not been reported in the literature in individuals affected with APC-related conditions. ClinVar contains an entry for this variant (Variation ID: 578968). Invitae Evidence Modeling of protein sequence and biophysical properties (such as structural, functional, and spatial information, amino acid conservation, physicochemical variation, residue mobility, and thermodynamic stability) indicates that this missense variant is not expected to disrupt APC protein function with a negative predictive value of 95%. In summary, the available evidence is currently insufficient to determine the role of this variant in disease. Therefore, it has been classified as a Variant of Uncertain Significance.

Color Diagnostics, LLC DBA Color Health
Classification: Uncertain significance for Hereditary cancer-predisposing syndrome. Last evaluated: 2022-06-02. Review status: criteria provided, single submitter. Criteria: ACMG Guidelines, 2015. Collection method: clinical testing. Allele origin: germline.
Comment: This missense variant replaces lysine with arginine at codon 2180 of the APC protein. Computational prediction suggests that this variant may not impact protein structure and function (internally defined REVEL score threshold <= 0.5, PMID: 27666373). To our knowledge, functional studies have not been reported for this variant. This variant has not been reported in individuals affected with hereditary cancer in the literature. This variant has been identified in 5/248744 chromosomes in the general population by the Genome Aggregation Database (gnomAD). The available evidence is insufficient to determine the role of this variant in disease conclusively. Therefore, this variant is classified as a Variant of Uncertain Significance.

Ambry Genetics
Classification: Likely benign for Hereditary cancer-predisposing syndrome. Last evaluated: 2021-09-15. Review status: criteria provided, single submitter. Criteria: Ambry Variant Classification Scheme 2023. Collection method: clinical testing. Allele origin: germline.

Quest Diagnostics Nichols Institute San Juan Capistrano
Classification: Uncertain significance. Last evaluated: 2019-10-22. Review status: criteria provided, single submitter. Criteria: Quest Diagnostics criteria. Collection method: clinical testing. Allele origin: unknown.

NM_000038.6(APC):c.6539A>G (p.Lys2180Arg)

Gene: APC (APC regulator of Wnt signaling pathway; plus strand). Cytogenetic location: 5q22.2.
Variant type: single nucleotide variant.
Coding change: c.6539A>G on transcript NM_000038.6 (MANE Select); coding-DNA position 6539, A replaced by G.
Protein change: p.Lys2180Arg; replaces lysine 2180 with arginine.
Molecular consequence: missense variant.
Genome position (GRCh38, 1-based): chr5:112,842,133, A>G. VCF-style: chr5-112842133-A-G. GRCh37 (hg19) VCF-style: chr5-112177830-A-G.
Other names: c.6539A>G, p.Lys2180Arg (NM_001127510.3, NM_001354895.2); c.6485A>G, p.Lys2162Arg (NM_001127511.3); c.6593A>G, p.Lys2198Arg (NM_001354896.2); c.6569A>G, p.Lys2190Arg (NM_001354897.2); c.6464A>G, p.Lys2155Arg (NM_001354898.2); c.6455A>G, p.Lys2152Arg (NM_001354899.2); c.6416A>G, p.Lys2139Arg (NM_001354900.2); c.6362A>G, p.Lys2121Arg (NM_001354901.2); and 5 more; short protein forms K2162R, K2180R, K1897R, K2054R, K2121R, K2190R, K2198R, K2079R.
Identifiers: ClinVar variation 578968 (VCV000578968.19), dbSNP rs762955111, ClinGen allele CA045283.